The following is an entry in ClinVar:

ClinVar aggregate classification (germline): Uncertain significance (1 of 4 stars; one submission).

Submission:

GeneDx
Classification: Uncertain significance. Last evaluated: 2016-07-25. Review status: criteria provided, single submitter. Criteria: GeneDx Variant Classification (06012015). Collection method: clinical testing. Allele origin: germline. Affected: yes.
Comment: The c.134_151del18 variant in the ANKS6 gene has not been reported previously as a pathogenic variant, nor as a benign variant, to our knowledge. The c.134_151del18 variant causes an in-frame deletion of six amino acids from Alanine 45 to Alanine 50, denoted p.Ala45_Ala50del. This occurs in a region of the ANKS6 protein that is not conserved. Limited data from control populations in the NHLBI Exome Sequencing Project is available to assess the frequency of this variant. We interpret c.134_151del18 as a variant of uncertain significance.

NM_173551.5(ANKS6):c.134_151del (p.Ala45_Ala50del)

Gene: ANKS6 (ankyrin repeat and sterile alpha motif domain containing 6; minus strand). Cytogenetic location: 9q22.33.
Variant type: Deletion.
Coding change: c.134_151del on transcript NM_173551.5 (MANE Select); coding-DNA positions 134 to 151, 18 bases deleted (CGGGCGCGGAGCCGGCGG).
Protein change: p.Ala45_Ala50del.
Molecular consequence: inframe deletion.
Genome position (GRCh38, 1-based): chr9:98,796,341-98,796,358, CCGCCGGCTCCGCGCCCG deleted on the plus strand (CGGGCGCGGAGCCGGCGG on the coding strand, the reverse complement: ANKS6 is on the minus strand); deleting any 18 consecutive bases within chr9:98,796,341-98,796,360 gives the same sequence; the c. name uses the placement nearest the transcript's 3' end. VCF-style (leftmost placement, unchanged base first): chr9-98796340-CCCGCCGGCTCCGCGCCCG-C. GRCh37 (hg19) VCF-style: chr9-101558622-CCCGCCGGCTCCGCGCCCG-C.
Identifiers: ClinVar variation 421840 (VCV000421840.2), dbSNP rs1064795396, ClinGen allele CA16618917.